The following is an entry in ClinVar:

NM_177550.5(SLC13A5):c.1275+151A>T

Gene: SLC13A5 (solute carrier family 13 member 5; minus strand). Cytogenetic location: 17p13.1.
Variant type: single nucleotide variant.
Coding change: c.1275+151A>T on transcript NM_177550.5 (MANE Select); 151 bases into the intron after coding-DNA position 1275, A replaced by T.
Molecular consequence: intron variant.
Genome position (GRCh38, 1-based): chr17:6,692,893, T>A on the plus strand (A>T on the coding strand, the complement: SLC13A5 is on the minus strand). VCF-style: chr17-6692893-T-A. GRCh37 (hg19) VCF-style: chr17-6596212-T-A.
Other names: c.1146+151A>T (NM_001284510.2); c.1224+151A>T (NM_001284509.2); c.1275+151A>T (NM_001143838.3).
Identifiers: ClinVar variation 677353 (VCV000677353.1), dbSNP rs115733013, ClinGen allele CA287385277.

ClinVar aggregate classification (germline): Likely benign (1 of 4 stars; one submission).

Allele frequency attached by ClinVar (database versions not stated): gnomAD 0.01230 and 0.01318; TOPMed 0.01359; 1000 Genomes Project 0.01458.
gnomAD v4.1: 2,648 of 660,094 alleles (0.4%); highest among the groups gnomAD compares: African/African-American, 4.2%; 57 homozygotes.

Submission:

GeneDx
Classification: Likely benign. Last evaluated: 2018-06-14. Review status: criteria provided, single submitter. Criteria: GeneDx Variant Classification (06012015). Collection method: clinical testing. Allele origin: germline. Affected: yes.
Comment: This variant is considered likely benign or benign based on one or more of the following criteria: it is a conservative change, it occurs at a poorly conserved position in the protein, it is predicted to be benign by multiple in silico algorithms, and/or has population frequency not consistent with disease.